The following is an entry in ClinVar:

NM_004092.4(ECHS1):c.1A>G (p.Met1Val)

Genes: ECHS1 (enoyl-CoA hydratase, short chain 1; minus strand), LOC130005023 (ATAC-STARR-seq lymphoblastoid silent region 2977; plus strand). Cytogenetic location: 10q26.3.
Variant type: single nucleotide variant.
Coding change: c.1A>G on transcript NM_004092.4 (MANE Select); coding-DNA position 1, A replaced by G.
Protein change: p.Met1Val; changes the start codon (methionine 1).
Molecular consequence: missense variant, initiator codon variant.
Genome position (GRCh38, 1-based): chr10:133,373,333, T>C on the plus strand (A>G on the coding strand, the complement: ECHS1 is on the minus strand). VCF-style: chr10-133373333-T-C. GRCh37 (hg19) VCF-style: chr10-135186837-T-C.
Other names: short protein forms M1V.
Identifiers: ClinVar variation 1382291 (VCV001382291.8), dbSNP rs753557738, ClinGen allele CA5765924.

ClinVar aggregate classification (germline): Pathogenic (1 of 4 stars; one submission).

Allele frequency attached by ClinVar (database versions not stated): gnomAD exomes 0.00008; ExAC 0.00018.

Submission:

Labcorp Genetics (formerly Invitae), Labcorp
Classification: Pathogenic. Last evaluated: 2024-12-02. Review status: criteria provided, single submitter. Criteria: Invitae Variant Classification Sherloc (09022015). Collection method: clinical testing. Allele origin: germline.
Comment: This sequence change affects the initiator methionine of the ECHS1 mRNA. The next in-frame methionine is located at codon 103. This variant is present in population databases (rs753557738, gnomAD 0.04%). Disruption of the initiator codon has been observed in individual(s) with Leigh syndrome (PMID: 25393721, 28429146, 32020600). In at least one individual the data is consistent with being in trans (on the opposite chromosome) from a pathogenic variant. ClinVar contains an entry for this variant (Variation ID: 1382291). Studies have shown that disruption of the initiator codon alters ECHS1 gene expression (PMID: 25393721). This variant disrupts a region of the ECHS1 protein in which other variant(s) (p.Ala2Val) have been determined to be pathogenic (PMID: 25393721, 32677908, 33139125, 33163364). This suggests that this is a clinically significant region of the protein, and that variants that disrupt it are likely to be disease-causing. For these reasons, this variant has been classified as Pathogenic.

Literature cited by the submitters: PubMed 25393721; PubMed 28429146; PubMed 32020600; PubMed 32677908; PubMed 33139125; PubMed 33163364.